The following is an entry in ClinVar:

ClinVar aggregate classification (germline): Uncertain significance (1 of 4 stars; one submission).

Allele frequency attached by ClinVar (database versions not stated): gnomAD 0.00001; gnomAD exomes 0.00001; ExAC 0.00003; 1000 Genomes Project 30x 0.00016; 1000 Genomes Project 0.00020.
gnomAD v4.1: 22 of 1,614,016 alleles (0.0014%); highest among the groups gnomAD compares: South Asian, 0.022%; no homozygotes.

Submission:

Ambry Genetics
Classification: Uncertain significance. Last evaluated: 2023-01-01. Review status: criteria provided, single submitter. Criteria: Ambry Variant Classification Scheme 2023. Collection method: clinical testing. Allele origin: germline.
Comment: The p.L579F variant (also known as c.1735C>T), located in coding exon 11 of the POLQ gene, results from a C to T substitution at nucleotide position 1735. The leucine at codon 579 is replaced by phenylalanine, an amino acid with highly similar properties. This amino acid position is conserved. In addition, this alteration is predicted to be tolerated by in silico analysis. Since supporting evidence is limited at this time, the clinical significance of this alteration remains unclear.

NM_199420.4(POLQ):c.1735C>T (p.Leu579Phe)

Gene: POLQ (DNA polymerase theta; minus strand). Cytogenetic location: 3q13.33.
Variant type: single nucleotide variant.
Coding change: c.1735C>T on transcript NM_199420.4 (MANE Select); coding-DNA position 1735, C replaced by T.
Protein change: p.Leu579Phe; replaces leucine 579 with phenylalanine.
Molecular consequence: missense variant.
Genome position (GRCh38, 1-based): chr3:121,510,120, G>A on the plus strand (C>T on the coding strand, the complement: POLQ is on the minus strand). VCF-style: chr3-121510120-G-A. GRCh37 (hg19) VCF-style: chr3-121228967-G-A.
Other names: short protein forms L579F.
Identifiers: ClinVar variation 2449564 (VCV002449564.2), dbSNP rs576439796, ClinGen allele CA2563464.